The following is an entry in ClinVar:

NM_004385.5(VCAN):c.9918G>C (p.Lys3306Asn)

Gene: VCAN (versican; plus strand). Cytogenetic location: 5q14.3.
Variant type: single nucleotide variant.
Coding change: c.9918G>C on transcript NM_004385.5 (MANE Select); coding-DNA position 9918, G replaced by C.
Protein change: p.Lys3306Asn; replaces lysine 3306 with asparagine.
Molecular consequence: missense variant.
Genome position (GRCh38, 1-based): chr5:83,580,017, G>C. VCF-style: chr5-83580017-G-C. GRCh37 (hg19) VCF-style: chr5-82875836-G-C.
Other names: c.1695G>C, p.Lys565Asn (NM_001126336.3); c.6957G>C, p.Lys2319Asn (NM_001164097.2); c.4656G>C, p.Lys1552Asn (NM_001164098.2); short protein forms K565N, K1552N, K2319N, K3306N.
Identifiers: ClinVar variation 931650 (VCV000931650.5), dbSNP rs1748612637, ClinGen allele CA360300691.
Genomic context (GRCh38, chr5:83,580,017, plus strand): 5'-TAACCCAATTTGCTTTCCTTTAGTCGCTTGCGGCCAGCCCCCTGTTGTAGAAAATGCCAA[G>C]ACCTTTGGAAAGATGAAACCTCGTTATGAAATCAACTCCCTGATTAGATACCACTGCAAA-3'
Protein context (NP_004376.2, residues 3296-3316): CGQPPVVENA[Lys3306Asn]TFGKMKPRYE

ClinVar aggregate classification (germline): Uncertain significance. Review status: criteria provided, multiple submitters, no conflicts (2 of 4 stars). 2 submissions from 2 submitters: Uncertain significance (2). Last evaluated 2023-08-08.

Conditions:
Inborn genetic diseases. Identifiers: MedGen C0950123, MeSH D030342.
Wagner disease. Also called: WAGNER VITREORETINAL DEGENERATION; WAGNER VITREORETINOPATHY; Wagner Vitreoretinal Degeneration (Wagner Synrdome); WAGNER SYNDROME 1; HYALOIDEORETINAL DEGENERATION OF WAGNER; Wagner syndrome. Identifiers: Orphanet 898, MedGen C1840452, MONDO:0007740, OMIM 143200.

Allele frequency attached by ClinVar (database versions not stated): gnomAD exomes below 0.00001.
gnomAD v4.1: 3 of 1,614,102 alleles (0.00019%); highest among the groups gnomAD compares: Non-Finnish European, 0.00025%; no homozygotes.

Submissions (2):

Ambry Genetics
Classification: Uncertain significance for Inborn genetic diseases. Last evaluated: 2023-08-08. Review status: criteria provided, single submitter. Criteria: Ambry Variant Classification Scheme 2023. Collection method: clinical testing. Allele origin: germline.

Centre for Mendelian Genomics, University Medical Centre Ljubljana
Classification: Uncertain significance for Wagner disease. Last evaluated: 2020-04-01. Review status: criteria provided, single submitter. Criteria: ACMG Guidelines, 2015. Collection method: clinical testing. Allele origin: unknown. Affected: yes.
Comment: This variant was classified as: Uncertain significance. The available evidence on this variant's pathogenicity is insufficient or conflicting. The following ACMG criteria were applied in classifying this variant: PM2,PP3.